The following is an entry in ClinVar:

ClinVar aggregate classification (germline): Uncertain significance (1 of 4 stars; one submission).

Conditions:
Familial hemophagocytic lymphohistiocytosis 5. Also called: STXBP2-Related Familial Hemophagocytic Lymphohistiocytosis (STXBP2-fHLH). Identifiers: Orphanet 540, MedGen C2751293, MONDO:0013135, OMIM 613101.

Submission:

Labcorp Genetics (formerly Invitae), Labcorp
Classification: Uncertain significance for Familial hemophagocytic lymphohistiocytosis 5. Last evaluated: 2024-09-04. Review status: criteria provided, single submitter. Criteria: Invitae Variant Classification Sherloc (09022015). Collection method: clinical testing. Allele origin: germline.
Comment: This sequence change falls in intron 8 of the STXBP2 gene. It does not directly change the encoded amino acid sequence of the STXBP2 protein. It affects a nucleotide within the consensus splice site. This variant is not present in population databases (gnomAD no frequency). This variant has not been reported in the literature in individuals affected with STXBP2-related conditions. Variants that disrupt the consensus splice site are a relatively common cause of aberrant splicing (PMID: 17576681, 9536098). Algorithms developed to predict the effect of sequence changes on RNA splicing suggest that this variant is not likely to affect RNA splicing. In summary, the available evidence is currently insufficient to determine the role of this variant in disease. Therefore, it has been classified as a Variant of Uncertain Significance.

Literature cited by the submitters: PubMed 17576681; PubMed 9536098.

NM_006949.4(STXBP2):c.663+6G>T

Gene: STXBP2 (syntaxin binding protein 2; plus strand). Cytogenetic location: 19p13.2.
Variant type: single nucleotide variant.
Coding change: c.663+6G>T on transcript NM_006949.4 (MANE Select); 6 bases into the intron after coding-DNA position 663, G replaced by T.
Molecular consequence: intron variant.
Genome position (GRCh38, 1-based): chr19:7,642,124, G>T. VCF-style: chr19-7642124-G-T. GRCh37 (hg19) VCF-style: chr19-7707010-G-T.
Other names: c.567+6G>T (NM_001414484.1); c.696+6G>T (NM_001272034.2); c.654+6G>T (NM_001127396.3).
Identifiers: ClinVar variation 3695916 (VCV003695916.2).